The following is an entry in ClinVar:

NM_001194998.2(CEP152):c.2928G>A (p.Glu976=)

Gene: CEP152 (centrosomal protein 152; minus strand). Cytogenetic location: 15q21.1.
Variant type: single nucleotide variant.
Coding change: c.2928G>A on transcript NM_001194998.2 (MANE Select); coding-DNA position 2928, G replaced by A.
Protein change: p.Glu976=; no amino-acid change (glutamic acid 976 retained).
Molecular consequence: synonymous variant.
Genome position (GRCh38, 1-based): chr15:48,756,320, C>T on the plus strand (G>A on the coding strand, the complement: CEP152 is on the minus strand). VCF-style: chr15-48756320-C-T. GRCh37 (hg19) VCF-style: chr15-49048517-C-T.
Other names: c.2928G>A, p.Glu976= (NM_014985.4).
Identifiers: ClinVar variation 316418 (VCV000316418.15), dbSNP rs771359060, ClinGen allele CA7548444.

ClinVar aggregate classification (germline): Conflicting classifications of pathogenicity. Review status: criteria provided, conflicting classifications (1 of 4 stars). 4 submissions from 3 submitters: Uncertain significance (2); Likely benign (2). Last evaluated 2025-04-01.

Conditions:
Microcephaly 9, primary, autosomal recessive. Identifiers: Orphanet 2512, MedGen C3553886, MONDO:0013923, OMIM 614852.
Seckel syndrome 5 (SCKL5). Identifiers: Orphanet 808, MedGen C3151187, MONDO:0013443, OMIM 613823.

Allele frequency attached by ClinVar (database versions not stated): ExAC 0.00001; gnomAD 0.00001; TOPMed 0.00002.
gnomAD v4.1: 25 of 1,574,476 alleles (0.0016%); highest among the groups gnomAD compares: Non-Finnish European, 0.00034%; no homozygotes.

Submissions (4):

CeGaT Center for Human Genetics Tuebingen
Classification: Likely benign. Last evaluated: 2025-04-01. Review status: criteria provided, single submitter. Criteria: CeGaT Center For Human Genetics Tuebingen Variant Classification Criteria Version 2. Collection method: clinical testing. Allele origin: germline. Affected: yes. Observed: 1 variant allele.
Comment: CEP152: BP4, BP7

Labcorp Genetics (formerly Invitae), Labcorp
Classification: Likely benign. Last evaluated: 2024-11-19. Review status: criteria provided, single submitter. Criteria: Invitae Variant Classification Sherloc (09022015). Collection method: clinical testing. Allele origin: germline.

Illumina Laboratory Services, Illumina
Classification: Uncertain significance for Seckel syndrome 5. Last evaluated: 2018-01-13. Review status: criteria provided, single submitter. Criteria: ICSL Variant Classification Criteria 13 December 2019. Collection method: clinical testing. Allele origin: germline.

Illumina Laboratory Services, Illumina
Classification: Uncertain significance for Microcephaly 9, primary, autosomal recessive. Last evaluated: 2018-01-13. Review status: criteria provided, single submitter. Criteria: ICSL Variant Classification Criteria 13 December 2019. Collection method: clinical testing. Allele origin: germline.